The following is an entry in ClinVar:

NC_000003.11:g.(?_14180660)_(14180817_?)del

Gene: TMEM43 (transmembrane protein 43; plus strand). Cytogenetic location: 3p25.1.
Variant type: Deletion.
Identifiers: ClinVar variation 2426817 (VCV002426817.4).

ClinVar aggregate classification (germline): Uncertain significance (1 of 4 stars; one submission).

Conditions:
Arrhythmogenic right ventricular dysplasia 5. Also called: Arrhythmogenic Right Ventricular Dysplasia/Cardiomyopathy 5; ARRHYTHMOGENIC RIGHT VENTRICULAR DYSPLASIA, FAMILIAL, 5. Identifiers: MedGen C1858379, MONDO:0011459, OMIM 604400.

Submission:

Labcorp Genetics (formerly Invitae), Labcorp
Classification: Uncertain significance for Arrhythmogenic right ventricular dysplasia 5. Last evaluated: 2022-02-11. Review status: criteria provided, single submitter. Criteria: Invitae Variant Classification Sherloc (09022015). Collection method: clinical testing. Allele origin: germline.
Comment: In summary, the available evidence is currently insufficient to determine the role of this variant in disease. Therefore, it has been classified as a Variant of Uncertain Significance. Experimental studies and prediction algorithms are not available or were not evaluated, and the functional significance of this variant is currently unknown. This variant has not been reported in the literature in individuals affected with TMEM43-related conditions. This variant is a gross deletion of the genomic region encompassing exon(s) 11 of the TMEM43 gene. While this deletion is not anticipated to lead to nonsense mediated decay, it is expected to disrupt the C-terminus of the protein.